The following is an entry in ClinVar:

NM_001451.3(FOXF1):c.36CGG[7] (p.Gly23del)

Gene: FOXF1 (forkhead box F1; plus strand). Cytogenetic location: 16q24.1.
Variant type: Microsatellite.
Coding change: c.36CGG[7] on transcript NM_001451.3 (MANE Select); seven copies in a row of the 3-base unit CGG starting at c.36; the reference has eight copies in a row; one copy, 3 bases deleted.
Protein change: p.Gly23del; deletes glycine 23.
Molecular consequence: inframe deletion.
Genome position (GRCh38, 1-based): chr16:86,510,626-86,510,628, CGG deleted; deleting any 3 consecutive bases within chr16:86,510,605-86,510,628 gives the same sequence; the position shown is the placement nearest the transcript's 3' end. VCF-style (leftmost placement, unchanged base first): chr16-86510604-ACGG-A. GRCh37 (hg19) VCF-style: chr16-86544210-ACGG-A.
Other names: short protein forms G23del.
Identifiers: ClinVar variation 2646946 (VCV002646946.25), dbSNP rs574179816, ClinGen allele CA8217336.
Genomic context (GRCh38, chr16:86,510,604, plus strand): 5'-GCGGCGGCGGCGGCAGCAGCCACCCGATGTCTTCGGCGCCCGAGAAGCAGCAGCCACCGC[ACGG>A]CGGCGGCGGCGGCGGCGGCGGGGGAGGCGGCGCGGCCATGGACCCCGCGTCGTCCGGCCC-3'

ClinVar aggregate classification (germline): Likely benign. Review status: criteria provided, multiple submitters, no conflicts (2 of 4 stars). 2 submissions from 2 submitters: Likely benign (2). Last evaluated 2024-11-26.

Submissions (2):

Blueprint Genetics
Classification: Likely benign. Last evaluated: 2024-11-26. Review status: criteria provided, single submitter. Criteria: ACMG Guidelines, 2015. Collection method: clinical testing. Allele origin: germline.

CeGaT Center for Human Genetics Tuebingen
Classification: Likely benign. Last evaluated: 2023-09-01. Review status: criteria provided, single submitter. Criteria: CeGaT Center For Human Genetics Tuebingen Variant Classification Criteria Version 2. Collection method: clinical testing. Allele origin: germline. Affected: yes. Observed: 1 variant allele.
Comment: FOXF1: PM4:Supporting, BS1